The following is an entry in ClinVar:

ClinVar aggregate classification (germline): Pathogenic (1 of 4 stars; one submission).

Submission:

Labcorp Genetics (formerly Invitae), Labcorp
Classification: Pathogenic. Last evaluated: 2023-08-29. Review status: criteria provided, single submitter. Criteria: Invitae Variant Classification Sherloc (09022015). Collection method: clinical testing. Allele origin: germline.
Comment: For these reasons, this variant has been classified as Pathogenic. This variant has not been reported in the literature in individuals affected with POLH-related conditions. This variant is not present in population databases (gnomAD no frequency). This sequence change creates a premature translational stop signal (p.Ala68Glyfs*2) in the POLH gene. It is expected to result in an absent or disrupted protein product. Loss-of-function variants in POLH are known to be pathogenic (PMID: 11773631, 24130121, 25256075).

Literature cited by the submitters: PubMed 11773631; PubMed 24130121; PubMed 25256075.

NM_006502.3(POLH):c.202dup (p.Ala68fs)

Gene: POLH (DNA polymerase eta; plus strand). Cytogenetic location: 6p21.1.
Variant type: Duplication.
Coding change: c.202dup on transcript NM_006502.3 (MANE Select); coding-DNA position 202, one base duplicated (G; older notation c.202dupG).
Protein change: p.Ala68fs; shifts the reading frame from alanine 68.
Molecular consequence: frameshift variant.
Genome position (GRCh38, 1-based): chr6:43,583,071, G duplicated. VCF-style (leftmost placement, unchanged base first): chr6-43583070-T-TG. GRCh37 (hg19) VCF-style: chr6-43550807-T-TG.
Other names: c.48dup, p.Leu17fs (NM_001291969.2); c.202dup, p.Ala68fs (NM_001291970.2); short protein forms A68fs, L17fs.
Identifiers: ClinVar variation 2756379 (VCV002756379.3), dbSNP rs2532345521, ClinGen allele CA2578628431.